The following is an entry in ClinVar:

ClinVar aggregate classification (germline): Uncertain significance (1 of 4 stars; one submission).

Conditions:
Ullrich congenital muscular dystrophy 2 (UCMD2). Identifiers: Orphanet 75840, MedGen C4225314, MONDO:0014654, OMIM 616470.
Bethlem myopathy 2 (BTHLM2). Identifiers: Orphanet 536516, Orphanet 610, MedGen C4225313, MONDO:0034022, OMIM 616471.

gnomAD v4.1: 6 of 1,614,150 alleles (0.00037%); highest among the groups gnomAD compares: East Asian, 0.013%; no homozygotes.

Submission:

Labcorp Genetics (formerly Invitae), Labcorp
Classification: Uncertain significance for Bethlem myopathy 2; Ullrich congenital muscular dystrophy 2. Last evaluated: 2024-11-26. Review status: criteria provided, single submitter. Criteria: Invitae Variant Classification Sherloc (09022015). Collection method: clinical testing. Allele origin: germline.
Comment: This sequence change replaces lysine, which is basic and polar, with threonine, which is neutral and polar, at codon 351 of the COL12A1 protein (p.Lys351Thr). This variant is not present in population databases (gnomAD no frequency). This variant has not been reported in the literature in individuals affected with COL12A1-related conditions. Invitae Evidence Modeling of protein sequence and biophysical properties (such as structural, functional, and spatial information, amino acid conservation, physicochemical variation, residue mobility, and thermodynamic stability) indicates that this missense variant is not expected to disrupt COL12A1 protein function with a negative predictive value of 80%. In summary, the available evidence is currently insufficient to determine the role of this variant in disease. Therefore, it has been classified as a Variant of Uncertain Significance.

NM_004370.6(COL12A1):c.1052A>C (p.Lys351Thr)

Gene: COL12A1 (collagen type XII alpha 1 chain; minus strand). Cytogenetic location: 6q13.
Variant type: single nucleotide variant.
Coding change: c.1052A>C on transcript NM_004370.6 (MANE Select); coding-DNA position 1052, A replaced by C.
Protein change: p.Lys351Thr; replaces lysine 351 with threonine.
Molecular consequence: missense variant. On other transcripts: intron variant (2).
Genome position (GRCh38, 1-based): chr6:75,184,090, T>G on the plus strand (A>C on the coding strand, the complement: COL12A1 is on the minus strand). VCF-style: chr6-75184090-T-G. GRCh37 (hg19) VCF-style: chr6-75893806-T-G.
Other names: c.1052A>C, p.Lys351Thr (NM_001424113.1, NM_001424114.1, NM_001424115.1); c.73+18630A>C (NM_001424116.1, NM_080645.3); short protein forms K351T.
Identifiers: ClinVar variation 3749515 (VCV003749515.2).